The following is an entry in ClinVar:

NM_052865.4(MGME1):c.23C>G (p.Thr8Ser)

Genes: MGME1 (mitochondrial genome maintenance exonuclease 1; plus strand), LOC126862983 (CDK7 strongly-dependent group 2 enhancer GRCh37_chr20:17950167-17951366; plus strand). Cytogenetic location: 20p11.23.
Variant type: single nucleotide variant.
Coding change: c.23C>G on transcript NM_052865.4 (MANE Select); coding-DNA position 23, C replaced by G.
Protein change: p.Thr8Ser; replaces threonine 8 with serine.
Molecular consequence: missense variant.
Genome position (GRCh38, 1-based): chr20:17,969,882, C>G. VCF-style: chr20-17969882-C-G. GRCh37 (hg19) VCF-style: chr20-17950525-C-G.
Other names: c.23C>G, p.Thr8Ser (NM_001310338.2, NM_001310339.2, NM_001363738.2); short protein forms T8S.
Identifiers: ClinVar variation 2835014 (VCV002835014.3), dbSNP rs770853931, ClinGen allele CA9774864.

ClinVar aggregate classification (germline): Uncertain significance (1 of 4 stars; one submission).

Allele frequency attached by ClinVar (database versions not stated): TOPMed below 0.00001.

Submission:

Labcorp Genetics (formerly Invitae), Labcorp
Classification: Uncertain significance. Last evaluated: 2025-11-01. Review status: criteria provided, single submitter. Criteria: Invitae Variant Classification Sherloc (09022015). Collection method: clinical testing. Allele origin: germline.
Comment: This sequence change replaces threonine, which is neutral and polar, with serine, which is neutral and polar, at codon 8 of the MGME1 protein (p.Thr8Ser). This variant is present in population databases (rs770853931, gnomAD 0.0009%). This variant has not been reported in the literature in individuals affected with MGME1-related conditions. ClinVar contains an entry for this variant (Variation ID: 2835014). An algorithm developed to predict the effect of missense changes on protein structure and function outputs the following: PolyPhen-2: "Benign". The serine amino acid residue is found in multiple mammalian species, which suggests that this missense change does not adversely affect protein function. In summary, the available evidence is currently insufficient to determine the role of this variant in disease. Therefore, it has been classified as a Variant of Uncertain Significance.